The following is an entry in ClinVar:

NM_002880.4(RAF1):c.1033G>C (p.Glu345Gln)

Gene: RAF1 (Raf-1 proto-oncogene, serine/threonine kinase; minus strand). Cytogenetic location: 3p25.2.
Variant type: single nucleotide variant.
Coding change: c.1033G>C on transcript NM_002880.4 (MANE Select); coding-DNA position 1033, G replaced by C.
Protein change: p.Glu345Gln; replaces glutamic acid 345 with glutamine.
Molecular consequence: missense variant. On other transcripts: non-coding transcript variant (3).
Genome position (GRCh38, 1-based): chr3:12,599,766, C>G on the plus strand (G>C on the coding strand, the complement: RAF1 is on the minus strand). VCF-style: chr3-12599766-C-G. GRCh37 (hg19) VCF-style: chr3-12641265-C-G.
Other names: c.1093G>C, p.Glu365Gln (NM_001354689.3); c.1033G>C, p.Glu345Gln (NM_001354690.3); c.790G>C, p.Glu264Gln (NM_001354691.3, NM_001354692.3); c.934G>C, p.Glu312Gln (NM_001354693.3); c.850G>C, p.Glu284Gln (NM_001354694.3); c.691G>C, p.Glu231Gln (NM_001354695.3); short protein forms E231Q, E284Q, E312Q, E345Q, E264Q, E365Q.
Identifiers: ClinVar variation 2896299 (VCV002896299.5), dbSNP rs766763525, ClinGen allele CA2259593.

ClinVar aggregate classification (germline): Uncertain significance. Review status: criteria provided, multiple submitters, no conflicts (2 of 4 stars). 2 submissions from 2 submitters: Uncertain significance (2). Last evaluated 2025-06-20.

Conditions:
RASopathy. Also called: Noonan spectrum disorder; rasopathies. Identifiers: Orphanet 536391, MedGen C5555857, MONDO:0021060.
Cardiovascular phenotype. Identifiers: MedGen CN230736.

Allele frequency attached by ClinVar (database versions not stated): gnomAD exomes below 0.00001; ExAC 0.00001; gnomAD 0.00001; TOPMed 0.00001.
gnomAD v4.1: 2 of 1,614,056 alleles (0.00012%); highest among the groups gnomAD compares: Non-Finnish European, 0.00017%; no homozygotes.

Submissions (2):

Ambry Genetics
Classification: Uncertain significance for Cardiovascular phenotype. Last evaluated: 2025-06-20. Review status: criteria provided, single submitter. Criteria: Ambry Variant Classification Scheme 2023. Collection method: clinical testing. Allele origin: germline.
Comment: The p.E345Q variant (also known as c.1033G>C), located in coding exon 9 of the RAF1 gene, results from a G to C substitution at nucleotide position 1033. The glutamic acid at codon 345 is replaced by glutamine, an amino acid with highly similar properties. This amino acid position is well conserved in available vertebrate species. In addition, this alteration is predicted to be deleterious by in silico analysis. Based on the available evidence, the clinical significance of this variant remains unclear.

Labcorp Genetics (formerly Invitae), Labcorp
Classification: Uncertain significance for RASopathy. Last evaluated: 2024-05-31. Review status: criteria provided, single submitter. Criteria: Invitae Variant Classification Sherloc (09022015). Collection method: clinical testing. Allele origin: germline.
Comment: This sequence change replaces glutamic acid, which is acidic and polar, with glutamine, which is neutral and polar, at codon 345 of the RAF1 protein (p.Glu345Gln). This variant is present in population databases (rs766763525, gnomAD 0.0009%). This variant has not been reported in the literature in individuals affected with RAF1-related conditions. Advanced modeling of protein sequence and biophysical properties (such as structural, functional, and spatial information, amino acid conservation, physicochemical variation, residue mobility, and thermodynamic stability) has been performed at Invitae for this missense variant, however the output from this modeling did not meet the statistical confidence thresholds required to predict the impact of this variant on RAF1 protein function. In summary, the available evidence is currently insufficient to determine the role of this variant in disease. Therefore, it has been classified as a Variant of Uncertain Significance.